The following is an entry in ClinVar:

NM_001394062.1(MACF1):c.3535G>A (p.Glu1179Lys)

Gene: MACF1 (microtubule actin crosslinking factor 1; plus strand). Cytogenetic location: 1p34.3.
Variant type: single nucleotide variant.
Coding change: c.3535G>A on transcript NM_001394062.1 (MANE Select); coding-DNA position 3535, G replaced by A.
Protein change: p.Glu1179Lys; replaces glutamic acid 1179 with lysine.
Molecular consequence: missense variant.
Genome position (GRCh38, 1-based): chr1:39,316,476, G>A. VCF-style: chr1-39316476-G-A. GRCh37 (hg19) VCF-style: chr1-39782148-G-A.
Other names: c.3550G>A, p.Glu1184Lys (NM_012090.5); short protein forms E1179K, E1184K.
Identifiers: ClinVar variation 2355822 (VCV002355822.5), dbSNP rs768361857, ClinGen allele CA779998.

ClinVar aggregate classification (germline): Conflicting classifications of pathogenicity. Review status: criteria provided, conflicting classifications (1 of 4 stars). 3 submissions from 3 submitters: Uncertain significance (1); Likely benign (2). Last evaluated 2025-06-02.

Conditions:
MACF1-related disorder. Also called: MACF1-related condition.
Inborn genetic diseases. Identifiers: MedGen C0950123, MeSH D030342.

Allele frequency attached by ClinVar (database versions not stated): ExAC 0.00003; TOPMed 0.00003; gnomAD exomes 0.00004.

Submissions (3):

PreventionGenetics, part of Exact Sciences
Classification: Likely benign for MACF1-related condition. Last evaluated: 2025-06-02. Review status: criteria provided, single submitter. Criteria: ACMG Guidelines, 2015. Collection method: clinical testing. Allele origin: germline.
Comment: This variant is classified as likely benign based on ACMG/AMP sequence variant interpretation guidelines (Richards et al. 2015 PMID: 25741868, with internal and published modifications).

Labcorp Genetics (formerly Invitae), Labcorp
Classification: Uncertain significance. Last evaluated: 2024-11-27. Review status: criteria provided, single submitter. Criteria: Invitae Variant Classification Sherloc (09022015). Collection method: clinical testing. Allele origin: germline.
Comment: This sequence change replaces glutamic acid, which is acidic and polar, with lysine, which is basic and polar, at codon 1184 of the MACF1 protein (p.Glu1184Lys). This variant is present in population databases (rs768361857, gnomAD 0.05%), and has an allele count higher than expected for a pathogenic variant. This variant has not been reported in the literature in individuals affected with MACF1-related conditions. ClinVar contains an entry for this variant (Variation ID: 2355822). An algorithm developed to predict the effect of missense changes on protein structure and function (PolyPhen-2) suggests that this variant is likely to be disruptive. In summary, the available evidence is currently insufficient to determine the role of this variant in disease. Therefore, it has been classified as a Variant of Uncertain Significance.

Ambry Genetics
Classification: Likely benign for Inborn genetic diseases. Last evaluated: 2022-08-17. Review status: criteria provided, single submitter. Criteria: Ambry Variant Classification Scheme 2023. Collection method: clinical testing. Allele origin: germline.